The following is an entry in ClinVar:

ClinVar aggregate classification (germline): Likely pathogenic. Review status: criteria provided, single submitter (1 of 4 stars). 2 submissions from 2 submitters: Likely pathogenic (1). 1 of the submissions does not count toward it. Last evaluated 2024-02-23.

Conditions:
PUS1-related disorder. Also called: PUS1-related condition.
Myopathy, lactic acidosis, and sideroblastic anemia 1 (MLASA1). Identifiers: Orphanet 2598, MedGen C4551958, MONDO:0024553, OMIM 600462.

Submissions (2):

Fulgent Genetics
Classification: Likely pathogenic for Myopathy, lactic acidosis, and sideroblastic anemia 1. Last evaluated: 2024-02-23. Review status: criteria provided, single submitter. Criteria: ACMG Guidelines, 2015. Collection method: clinical testing. Allele origin: germline.

PreventionGenetics, part of Exact Sciences
Classification: Uncertain significance for PUS1-related condition. Last evaluated: 2024-01-10. Review status: no assertion criteria provided. Collection method: clinical testing. Allele origin: germline. Not counted in ClinVar's aggregate classification.
Comment: The PUS1 c.2T>G variant is predicted to disrupt the translation initiation site (Start Loss). This variant has been reported in the compound heterozygous state with a c.1156dupT (p.Ser386Phefs*36) variant in an individual with a clinical diagnosis or strong suspicion of Diamond-Blackfan anemia (Reported via chr12:132414269:T>G, Table 3, Ulirsch et al. 2018. PubMed ID: 30503522). This variant has not been reported in a large population database, indicating this variant is rare. Although we suspect that this variant may be pathogenic, at this time, the clinical significance of this variant is uncertain due to the absence of conclusive functional and genetic evidence.

NM_025215.6(PUS1):c.2T>G (p.Met1Arg)

Gene: PUS1 (pseudouridine synthase 1; plus strand). Cytogenetic location: 12q24.33.
Variant type: single nucleotide variant.
Coding change: c.2T>G on transcript NM_025215.6 (MANE Select); coding-DNA position 2, T replaced by G.
Protein change: p.Met1Arg; changes the start codon (methionine 1).
Molecular consequence: missense variant, initiator codon variant. On other transcripts: intron variant (2).
Genome position (GRCh38, 1-based): chr12:131,929,724, T>G. VCF-style: chr12-131929724-T-G. GRCh37 (hg19) VCF-style: chr12-132414269-T-G.
Other names: c.-10-183T>G (NM_001002019.3, NM_001002020.3); short protein forms M1R.
Identifiers: ClinVar variation 3032548 (VCV003032548.3), dbSNP rs2541388135, ClinGen allele CA387296926.